The following is an entry in ClinVar:

NM_000455.5(STK11):c.298C>T (p.Gln100Ter)

Gene: STK11 (serine/threonine kinase 11; plus strand). Cytogenetic location: 19p13.3.
Variant type: single nucleotide variant.
Coding change: c.298C>T on transcript NM_000455.5 (MANE Select); coding-DNA position 298, C replaced by T.
Protein change: p.Gln100Ter; replaces glutamine 100 with a stop codon.
Molecular consequence: nonsense. On other transcripts: non-coding transcript variant (1).
Genome position (GRCh38, 1-based): chr19:1,218,424, C>T. VCF-style: chr19-1218424-C-T. GRCh37 (hg19) VCF-style: chr19-1218423-C-T.
Other names: c.298C>T, p.Gln100Ter (NM_001407255.1); short protein forms Q100*.
Identifiers: ClinVar variation 3600327 (VCV003600327.1).

ClinVar aggregate classification (germline): Pathogenic (1 of 4 stars; one submission).

Conditions:
Peutz-Jeghers syndrome (PJS). Also called: Peutz-Jeghers polyposis; Periorificial lentiginosis syndrome; POLYPOSIS, HAMARTOMATOUS INTESTINAL; POLYPS-AND-SPOTS SYNDROME. Identifiers: Orphanet 2869, MedGen C0031269, MeSH D010580, MONDO:0008280, OMIM 175200.

Submission:

Department of Clinical Genetics, Copenhagen University Hospital, Rigshospitalet
Classification: Pathogenic for Peutz-Jeghers syndrome. Last evaluated: 2025-01-10. Review status: criteria provided, single submitter. Criteria: ACMG Guidelines, 2015. Collection method: clinical testing. Allele origin: germline. Affected: yes.
Comment: The following ACMG criteria was used: PVS1; PM2_SUP; PS4_SUP

Literature cited by the submitters: PubMed 37017260.